The following is an entry in ClinVar:

NM_005188.4(CBL):c.1652C>T (p.Pro551Leu)

Gene: CBL (Cbl proto-oncogene; plus strand). Cytogenetic location: 11q23.3.
Variant type: single nucleotide variant.
Coding change: c.1652C>T on transcript NM_005188.4 (MANE Select); coding-DNA position 1652, C replaced by T.
Protein change: p.Pro551Leu; replaces proline 551 with leucine.
Molecular consequence: missense variant.
Genome position (GRCh38, 1-based): chr11:119,285,277, C>T. VCF-style: chr11-119285277-C-T. GRCh37 (hg19) VCF-style: chr11-119155987-C-T.
Other names: short protein forms P551L.
Identifiers: ClinVar variation 4613830 (VCV004613830.1).

ClinVar aggregate classification (germline): Uncertain significance (1 of 4 stars; one submission).

Conditions:
Cardiovascular phenotype. Identifiers: MedGen CN230736.

Submission:

Ambry Genetics
Classification: Uncertain significance for Cardiovascular phenotype. Last evaluated: 2025-10-09. Review status: criteria provided, single submitter. Criteria: Ambry Variant Classification Scheme 2023. Collection method: clinical testing. Allele origin: germline.
Comment: The p.P551L variant (also known as c.1652C>T), located in coding exon 11 of the CBL gene, results from a C to T substitution at nucleotide position 1652. The proline at codon 551 is replaced by leucine, an amino acid with similar properties. This amino acid position is conserved. In addition, the in silico prediction for this alteration is inconclusive. Based on the available evidence, the clinical significance of this variant remains unclear.